The following is an entry in ClinVar:

ClinVar aggregate classification (germline): Benign. Review status: criteria provided, multiple submitters, no conflicts (2 of 4 stars). 4 submissions from 4 submitters: Benign (3). 1 of the submissions does not count toward it. Last evaluated 2026-02-03.

Conditions:
AHDC1-related intellectual disability - obstructive sleep apnea - mild dysmorphism syndrome. Also called: Xia-Gibbs syndrome. Identifiers: Orphanet 412069, MedGen C4014419, MONDO:0014358, OMIM 615829.
AHDC1-related disorder. Also called: AHDC1-related condition.

Allele frequency attached by ClinVar (database versions not stated): ExAC 0.00020; ESP Exome Variant Server 0.00023; gnomAD exomes 0.00023; gnomAD 0.00035 and 0.00037; TOPMed 0.00042; 1000 Genomes Project 30x 0.00078; 1000 Genomes Project 0.00100.
gnomAD v4.1: 131 of 1,613,160 alleles (0.0081%); highest among the groups gnomAD compares: East Asian, 0.11%; no homozygotes.

Submissions (4):

Labcorp Genetics (formerly Invitae), Labcorp
Classification: Benign. Last evaluated: 2026-02-03. Review status: criteria provided, single submitter. Criteria: Invitae Variant Classification Sherloc (09022015). Collection method: clinical testing. Allele origin: germline.

Genome-Nilou Lab
Classification: Benign for AHDC1-related intellectual disability - obstructive sleep apnea - mild dysmorphism syndrome. Last evaluated: 2021-12-05. Review status: criteria provided, single submitter. Criteria: ACMG Guidelines, 2015. Collection method: clinical testing. Allele origin: germline. Affected: no.

GeneDx
Classification: Benign. Last evaluated: 2020-10-16. Review status: criteria provided, single submitter. Criteria: GeneDx Variant Classification Process June 2021. Collection method: clinical testing. Allele origin: germline. Affected: yes.

PreventionGenetics, part of Exact Sciences
Classification: Likely benign for AHDC1-related condition. Last evaluated: 2021-02-23. Review status: no assertion criteria provided. Collection method: clinical testing. Allele origin: germline. Not counted in ClinVar's aggregate classification.
Comment: This variant is classified as likely benign based on ACMG/AMP sequence variant interpretation guidelines (Richards et al. 2015 PMID: 25741868, with internal and published modifications).

NM_001371928.1(AHDC1):c.2532C>T (p.Leu844=)

Gene: AHDC1 (AT-hook DNA binding motif containing 1; minus strand). Cytogenetic location: 1p36.11.
Variant type: single nucleotide variant.
Coding change: c.2532C>T on transcript NM_001371928.1 (MANE Select); coding-DNA position 2532, C replaced by T.
Protein change: p.Leu844=; no amino-acid change (leucine 844 retained).
Molecular consequence: synonymous variant.
Genome position (GRCh38, 1-based): chr1:27,549,584, G>A on the plus strand (C>T on the coding strand, the complement: AHDC1 is on the minus strand). VCF-style: chr1-27549584-G-A. GRCh37 (hg19) VCF-style: chr1-27876095-G-A.
Other names: c.2532C>T, p.Leu844= (NM_001029882.3).
Identifiers: ClinVar variation 1283452 (VCV001283452.12), dbSNP rs149713889, ClinGen allele CA715749.